The following is an entry in ClinVar:

NM_001220.5(CAMK2B):c.1768+1G>A

Gene: CAMK2B (calcium/calmodulin dependent protein kinase II beta; minus strand). Cytogenetic location: 7p13.
Variant type: single nucleotide variant.
Coding change: c.1768+1G>A on transcript NM_001220.5 (MANE Select); the canonical splice donor site of the intron after coding-DNA position 1768, G replaced by A.
Molecular consequence: splice donor variant.
Genome position (GRCh38, 1-based): chr7:44,220,615, C>T on the plus strand (G>A on the coding strand, the complement: CAMK2B is on the minus strand). VCF-style: chr7-44220615-C-T. GRCh37 (hg19) VCF-style: chr7-44260214-C-T.
Other names: c.1396+1G>A (NM_001293170.2, NM_172078.3); c.1117+1G>A (NM_172084.3); c.1321+1G>A (NM_172080.3); c.1207+1G>A (NM_172083.3); c.1279+1G>A (NM_172081.3); c.1324+1G>A (NM_172079.3); c.1246+1G>A (NM_172082.3).
Identifiers: ClinVar variation 3656103 (VCV003656103.2).

ClinVar aggregate classification (germline): Uncertain significance (1 of 4 stars; one submission).

gnomAD v4.1: 1 of 1,612,348 alleles (0.000062%); highest among the groups gnomAD compares: Non-Finnish European, 0.000085%; no homozygotes.

Submission:

Labcorp Genetics (formerly Invitae), Labcorp
Classification: Uncertain significance. Last evaluated: 2024-06-10. Review status: criteria provided, single submitter. Criteria: Invitae Variant Classification Sherloc (09022015). Collection method: clinical testing. Allele origin: germline.
Comment: This sequence change falls in intron 22 of the CAMK2B gene. It does not directly change the encoded amino acid sequence of the CAMK2B protein. It affects a nucleotide within the consensus splice site. The frequency data for this variant in the population databases is considered unreliable, as metrics indicate poor data quality at this position in the gnomAD database. This variant has not been reported in the literature in individuals affected with CAMK2B-related conditions. Variants that disrupt the consensus splice site are a relatively common cause of aberrant splicing (PMID: 17576681, 9536098). Algorithms developed to predict the effect of sequence changes on RNA splicing suggest that this variant may disrupt the consensus splice site. In summary, the available evidence is currently insufficient to determine the role of this variant in disease. Therefore, it has been classified as a Variant of Uncertain Significance.

Literature cited by the submitters: PubMed 17576681; PubMed 9536098.